The following is an entry in ClinVar:

NM_007167.4(ZMYM6):c.2805T>C (p.Cys935=)

Gene: ZMYM6 (zinc finger MYM-type containing 6; minus strand). Cytogenetic location: 1p34.3.
Variant type: single nucleotide variant.
Coding change: c.2805T>C on transcript NM_007167.4 (MANE Select); coding-DNA position 2805, T replaced by C.
Protein change: p.Cys935=; no amino-acid change (cysteine 935 retained).
Molecular consequence: synonymous variant.
Genome position (GRCh38, 1-based): chr1:34,988,277, A>G on the plus strand (T>C on the coding strand, the complement: ZMYM6 is on the minus strand). VCF-style: chr1-34988277-A-G. GRCh37 (hg19) VCF-style: chr1-35453878-A-G.
Identifiers: ClinVar variation 713264 (VCV000713264.5), dbSNP rs144581211, ClinGen allele CA756254.
Genomic context (GRCh38, chr1:34,988,277, plus strand): 5'-AAAGCCAGTTATTTGAGTAGGCATTTCAATGCAAAATAATAATTCTTCTTTTACATCACG[A>G]CAATCATAATCAATGAAACGAATATAGCACAAAAGAAGTGTGATATTTGAGATTTCTGAT-3'
Protein context (NP_009098.3, residues 925-945): LCYIRFIDYD[Cys935=]RDVKEELLFC

ClinVar aggregate classification (germline): Benign. Review status: criteria provided, single submitter (1 of 4 stars). 2 submissions from 2 submitters: Benign (1). 1 of the submissions does not count toward it. Last evaluated 2018-07-31.

Conditions:
ZMYM6-related disorder. Also called: ZMYM6-related condition.

Allele frequency attached by ClinVar (database versions not stated): gnomAD exomes 0.00059 and 0.00132; ExAC 0.00223; 1000 Genomes Project 0.00459; ESP Exome Variant Server 0.00467; 1000 Genomes Project 30x 0.00515; gnomAD 0.00520 and 0.00562; TOPMed 0.00567.
gnomAD v4.1: 1,658 of 1,550,720 alleles (0.11%); highest among the groups gnomAD compares: African/African-American, 1.8%; 14 homozygotes.

Submissions (2):

Labcorp Genetics (formerly Invitae), Labcorp
Classification: Benign. Last evaluated: 2018-07-31. Review status: criteria provided, single submitter. Criteria: Invitae Variant Classification Sherloc (09022015). Collection method: clinical testing. Allele origin: germline.

PreventionGenetics, part of Exact Sciences
Classification: Benign for ZMYM6-related condition. Last evaluated: 2019-03-21. Review status: no assertion criteria provided. Collection method: clinical testing. Allele origin: germline. Not counted in ClinVar's aggregate classification.
Comment: This variant is classified as benign based on ACMG/AMP sequence variant interpretation guidelines (Richards et al. 2015 PMID: 25741868, with internal and published modifications).